The following is an entry in ClinVar:

ClinVar aggregate classification (germline): Uncertain significance (1 of 4 stars; one submission).

Conditions:
Usher syndrome type 3B. Also called: USHER SYNDROME, TYPE IIIB. Identifiers: MedGen C3281066, MONDO:0013788, OMIM 614504.

Submission:

Labcorp Genetics (formerly Invitae), Labcorp
Classification: Uncertain significance for Usher syndrome type 3B. Last evaluated: 2023-03-17. Review status: criteria provided, single submitter. Criteria: Invitae Variant Classification Sherloc (09022015). Collection method: clinical testing. Allele origin: germline.
Comment: In summary, the available evidence is currently insufficient to determine the role of this variant in disease. Therefore, it has been classified as a Variant of Uncertain Significance. Advanced modeling of protein sequence and biophysical properties (such as structural, functional, and spatial information, amino acid conservation, physicochemical variation, residue mobility, and thermodynamic stability) performed at Invitae indicates that this missense variant is not expected to disrupt HARS protein function. This variant has not been reported in the literature in individuals affected with HARS-related conditions. This variant is not present in population databases (gnomAD no frequency). This sequence change replaces glutamine, which is neutral and polar, with arginine, which is basic and polar, at codon 272 of the HARS protein (p.Gln272Arg).

NM_002109.6(HARS1):c.815A>G (p.Gln272Arg)

Gene: HARS1 (histidyl-tRNA synthetase 1; minus strand). Cytogenetic location: 5q31.3.
Variant type: single nucleotide variant.
Coding change: c.815A>G on transcript NM_002109.6 (MANE Select); coding-DNA position 815, A replaced by G.
Protein change: p.Gln272Arg; replaces glutamine 272 with arginine.
Molecular consequence: missense variant.
Genome position (GRCh38, 1-based): chr5:140,677,335, T>C on the plus strand (A>G on the coding strand, the complement: HARS1 is on the minus strand). VCF-style: chr5-140677335-T-C. GRCh37 (hg19) VCF-style: chr5-140056920-T-C.
Other names: c.695A>G, p.Gln232Arg (NM_001258040.3); c.755A>G, p.Gln252Arg (NM_001258041.3); c.635A>G, p.Gln212Arg (NM_001258042.3); c.593A>G, p.Gln198Arg (NM_001289092.2); c.473A>G, p.Gln158Arg (NM_001289093.2); c.728A>G, p.Gln243Arg (NM_001289094.2); short protein forms Q252R, Q272R, Q158R, Q232R, Q198R, Q212R, Q243R.
Identifiers: ClinVar variation 2846616 (VCV002846616.3), dbSNP rs2481252198, ClinGen allele CA361253631.
Genomic context (GRCh38, chr5:140,677,335, plus strand): 5'-AGGACTGAGGGCAGTGGGACGGCTGCTGGGGAGGCTTGGTTCTGTTCCTCACCATGTTGC[T>C]GGACATAGTCCCCAATGCGGTCAGCCACCTCAGGTGCAAGGCCCTTCTCTCCCACCATCT-3'
Protein context (NP_002100.2, residues 262-282): EVADRIGDYV[Gln272Arg]QHGGVSLVEQ